The following is an entry in ClinVar:

NM_181882.3(PRX):c.3248C>T (p.Pro1083Leu)

Gene: PRX (periaxin; minus strand). Cytogenetic location: 19q13.2.
Variant type: single nucleotide variant.
Coding change: c.3248C>T on transcript NM_181882.3 (MANE Select); coding-DNA position 3248, C replaced by T.
Protein change: p.Pro1083Leu; replaces proline 1083 with leucine.
Molecular consequence: missense variant. On other transcripts: 3 prime UTR variant (1).
Genome position (GRCh38, 1-based): chr19:40,395,104, G>A on the plus strand (C>T on the coding strand, the complement: PRX is on the minus strand). VCF-style: chr19-40395104-G-A. GRCh37 (hg19) VCF-style: chr19-40901011-G-A.
Other names: c.*3453C>T (NM_020956.2); short protein forms P1083L.
Identifiers: ClinVar variation 448138 (VCV000448138.4), dbSNP rs3745202, ClinGen allele CA308417239.

ClinVar aggregate classification (germline): Uncertain significance. Review status: criteria provided, multiple submitters, no conflicts (2 of 4 stars). 3 submissions from 3 submitters: Uncertain significance (3). Last evaluated 2025-11-25.

Conditions:
Inborn genetic diseases. Identifiers: MedGen C0950123, MeSH D030342.
Charcot-Marie-Tooth disease type 4. Also called: Charcot-Marie-Tooth, Type 4; Charcot-Marie-Tooth disease, type IV. Identifiers: Orphanet 64749, MedGen C4082197, MONDO:0018995.

Allele frequency attached by ClinVar (database versions not stated): 1000 Genomes Project 30x 0.00031; 1000 Genomes Project 0.00040.
gnomAD v4.1: 26 of 1,613,690 alleles (0.0016%); highest among the groups gnomAD compares: African/African-American, 0.0067%; no homozygotes.

Submissions (3):

Labcorp Genetics (formerly Invitae), Labcorp
Classification: Uncertain significance for Charcot-Marie-Tooth disease type 4. Last evaluated: 2025-11-25. Review status: criteria provided, single submitter. Criteria: Invitae Variant Classification Sherloc (09022015). Collection method: clinical testing. Allele origin: germline.
Comment: This sequence change replaces proline, which is neutral and non-polar, with leucine, which is neutral and non-polar, at codon 1083 of the PRX protein (p.Pro1083Leu). This variant is present in population databases (rs3745202, gnomAD 0.006%). This variant has not been reported in the literature in individuals affected with PRX-related conditions. ClinVar contains an entry for this variant (Variation ID: 448138). Invitae Evidence Modeling of protein sequence and biophysical properties (such as structural, functional, and spatial information, amino acid conservation, physicochemical variation, residue mobility, and thermodynamic stability) indicates that this missense variant is not expected to disrupt PRX protein function with a negative predictive value of 80%. In summary, the available evidence is currently insufficient to determine the role of this variant in disease. Therefore, it has been classified as a Variant of Uncertain Significance.

Ambry Genetics
Classification: Uncertain significance for Inborn genetic diseases. Last evaluated: 2020-02-18. Review status: criteria provided, single submitter. Criteria: Ambry Variant Classification Scheme 2023. Collection method: clinical testing. Allele origin: germline.
Comment: The p.P1083L variant (also known as c.3248C>T), located in coding exon 4 of the PRX gene, results from a C to T substitution at nucleotide position 3248. The proline at codon 1083 is replaced by leucine, an amino acid with similar properties. This amino acid position is not well conserved in available vertebrate species. In addition, this alteration is predicted to be tolerated by in silico analysis. Since supporting evidence is limited at this time, the clinical significance of this alteration remains unclear.

Athena Diagnostics
Classification: Uncertain significance. Last evaluated: 2016-09-22. Review status: criteria provided, single submitter. Criteria: Athena Diagnostics Criteria. Collection method: clinical testing. Allele origin: germline.